The following is an entry in ClinVar:

NM_001374736.1(DST):c.21821C>G (p.Pro7274Arg)

Gene: DST (dystonin; minus strand). Cytogenetic location: 6p12.1.
Variant type: single nucleotide variant.
Coding change: c.21821C>G on transcript NM_001374736.1 (MANE Select); coding-DNA position 21821, C replaced by G.
Protein change: p.Pro7274Arg; replaces proline 7274 with arginine.
Molecular consequence: missense variant.
Genome position (GRCh38, 1-based): chr6:56,476,192, G>C on the plus strand (C>G on the coding strand, the complement: DST is on the minus strand). VCF-style: chr6-56476192-G-C. GRCh37 (hg19) VCF-style: chr6-56340990-G-C.
Other names: c.15464C>G, p.Pro5155Arg (NM_001144769.5); c.15050C>G, p.Pro5017Arg (NM_001144770.2); c.21821C>G, p.Pro7274Arg (NM_001374722.1); c.20861C>G, p.Pro6954Arg (NM_001374729.1); c.14603C>G, p.Pro4868Arg (NM_001374730.1); c.21848C>G, p.Pro7283Arg (NM_001374734.1); c.13952C>G, p.Pro4651Arg (NM_015548.5); c.14930C>G, p.Pro4977Arg (NM_183380.4); short protein forms P7274R, P4868R, P4651R, P4977R, P5017R, P5155R, P6954R, P7283R.
Identifiers: ClinVar variation 969968 (VCV000969968.1), dbSNP rs1250221052, ClinGen allele CA364510164.

ClinVar aggregate classification (germline): Uncertain significance (1 of 4 stars; one submission).

Conditions:
Epidermolysis bullosa simplex 3, localized or generalized intermediate, with BP230 deficiency (EBS3). Also called: Epidermolysis bullosa simplex, autosomal recessive 2; Epidermolysis bullosa simplex due to BP230 deficiency. Identifiers: Orphanet 412181, MedGen C3809470, MONDO:0014180, OMIM 615425.
Hereditary sensory and autonomic neuropathy type 6. Also called: Neuropathy, hereditary sensory and autonomic, type VI; HSAN VI. Identifiers: Orphanet 314381, MedGen C3539003, MONDO:0013839, OMIM 614653.

gnomAD v4.1: 4 of 1,612,908 alleles (0.00025%); highest among the groups gnomAD compares: South Asian, 0.0011%; no homozygotes.

Submission:

Labcorp Genetics (formerly Invitae), Labcorp
Classification: Uncertain significance for Epidermolysis bullosa simplex, autosomal recessive 2; Neuropathy, hereditary sensory and autonomic, type VI. Last evaluated: 2019-06-11. Review status: criteria provided, single submitter. Criteria: Invitae Variant Classification Sherloc (09022015). Collection method: clinical testing. Allele origin: germline.
Comment: This sequence change replaces proline with arginine at codon 4651 of the DST protein (p.Pro4651Arg). The proline residue is highly conserved and there is a moderate physicochemical difference between proline and arginine. The DST gene has multiple clinically relevant transcripts. The p.Pro4651Arg variant occurs in alternate transcript NM_015548.4, which corresponds to c.*139325C>G in NM_001723.5, the primary transcript listed in the Methods. This variant is not present in population databases (ExAC no frequency). This variant has not been reported in the literature in individuals with DST-related conditions. Algorithms developed to predict the effect of missense changes on protein structure and function are either unavailable or do not agree on the potential impact of this missense change (SIFT: "Deleterious"; PolyPhen-2: "Not Available"; Align-GVGD: "Class C0"). In summary, the available evidence is currently insufficient to determine the role of this variant in disease. Therefore, it has been classified as a Variant of Uncertain Significance.